The following is an entry in ClinVar:

ClinVar aggregate classification (germline): Uncertain significance (1 of 4 stars; one submission).

Conditions:
Niemann-Pick disease, type C1. Also called: NEUROVISCERAL STORAGE DISEASE WITH VERTICAL SUPRANUCLEAR OPHTHALMOPLEGIA; NIEMANN-PICK DISEASE WITH CHOLESTEROL ESTERIFICATION BLOCK; NIEMANN-PICK DISEASE WITHOUT SPHINGOMYELINASE DEFICIENCY; NIEMANN-PICK DISEASE, CHRONIC NEURONOPATHIC FORM; NIEMANN-PICK DISEASE, VARIANT TYPE C1. Identifiers: Orphanet 646, MedGen C3179455, MONDO:0009757, OMIM 257220.

Allele frequency attached by ClinVar (database versions not stated): TOPMed below 0.00001; gnomAD 0.00001.

Submission:

Labcorp Genetics (formerly Invitae), Labcorp
Classification: Uncertain significance for Niemann-Pick disease, type C1. Last evaluated: 2022-03-19. Review status: criteria provided, single submitter. Criteria: Invitae Variant Classification Sherloc (09022015). Collection method: clinical testing. Allele origin: germline.
Comment: Advanced modeling of protein sequence and biophysical properties (such as structural, functional, and spatial information, amino acid conservation, physicochemical variation, residue mobility, and thermodynamic stability) performed at Invitae indicates that this missense variant is not expected to disrupt NPC1 protein function. In summary, the available evidence is currently insufficient to determine the role of this variant in disease. Therefore, it has been classified as a Variant of Uncertain Significance. Algorithms developed to predict the effect of sequence changes on RNA splicing suggest that this variant may create or strengthen a splice site. This variant has not been reported in the literature in individuals affected with NPC1-related conditions. This variant is not present in population databases (gnomAD no frequency). This sequence change replaces isoleucine, which is neutral and non-polar, with methionine, which is neutral and non-polar, at codon 419 of the NPC1 protein (p.Ile419Met).

NM_000271.5(NPC1):c.1257T>G (p.Ile419Met)

Gene: NPC1 (NPC intracellular cholesterol transporter 1; minus strand). Cytogenetic location: 18q11.2.
Variant type: single nucleotide variant.
Coding change: c.1257T>G on transcript NM_000271.5 (MANE Select); coding-DNA position 1257, T replaced by G.
Protein change: p.Ile419Met; replaces isoleucine 419 with methionine.
Molecular consequence: missense variant.
Genome position (GRCh38, 1-based): chr18:23,556,312, A>C on the plus strand (T>G on the coding strand, the complement: NPC1 is on the minus strand). VCF-style: chr18-23556312-A-C. GRCh37 (hg19) VCF-style: chr18-21136276-A-C.
Other names: short protein forms I419M.
Identifiers: ClinVar variation 1358187 (VCV001358187.6), dbSNP rs1452719623, ClinGen allele CA401777379.